The following is an entry in ClinVar:

NM_014363.6(SACS):c.13085T>A (p.Leu4362Ter)

Gene: SACS (sacsin molecular chaperone; minus strand). Cytogenetic location: 13q12.12.
Variant type: single nucleotide variant.
Coding change: c.13085T>A on transcript NM_014363.6 (MANE Select); coding-DNA position 13085, T replaced by A.
Protein change: p.Leu4362Ter; replaces leucine 4362 with a stop codon.
Molecular consequence: nonsense.
Genome position (GRCh38, 1-based): chr13:23,330,791, A>T on the plus strand (T>A on the coding strand, the complement: SACS is on the minus strand). VCF-style: chr13-23330791-A-T. GRCh37 (hg19) VCF-style: chr13-23904930-A-T.
Other names: c.12644T>A, p.Leu4215Ter (NM_001278055.2); short protein forms L4215*, L4362*.
Identifiers: ClinVar variation 1381656 (VCV001381656.6), dbSNP rs774995570, ClinGen allele CA387506033.

ClinVar aggregate classification (germline): Pathogenic (1 of 4 stars; one submission).

Conditions:
Spastic paraplegia. Identifiers: MedGen C0037772, HP:0001258.

Submission:

Labcorp Genetics (formerly Invitae), Labcorp
Classification: Pathogenic for Spastic paraplegia. Last evaluated: 2021-09-04. Review status: criteria provided, single submitter. Criteria: Invitae Variant Classification Sherloc (09022015). Collection method: clinical testing. Allele origin: germline.
Comment: For these reasons, this variant has been classified as Pathogenic. This variant disrupts a region of the SACS protein in which other variant(s) (p.Asn4549Asp) have been determined to be pathogenic (PMID: 15156359, 21507954). This suggests that this is a clinically significant region of the protein, and that variants that disrupt it are likely to be disease-causing. This variant has not been reported in the literature in individuals affected with SACS-related conditions. This variant is not present in population databases (ExAC no frequency). This sequence change creates a premature translational stop signal (p.Leu4362*) in the SACS gene. While this is not anticipated to result in nonsense mediated decay, it is expected to disrupt the last 218 amino acid(s) of the SACS protein.

Literature cited by the submitters: PubMed 15156359; PubMed 21507954.